The following is an entry in ClinVar:

NM_005458.8(GABBR2):c.158G>A (p.Ser53Asn)

Gene: GABBR2 (gamma-aminobutyric acid type B receptor subunit 2; minus strand). Cytogenetic location: 9q22.33.
Variant type: single nucleotide variant.
Coding change: c.158G>A on transcript NM_005458.8 (MANE Select); coding-DNA position 158, G replaced by A.
Protein change: p.Ser53Asn; replaces serine 53 with asparagine.
Molecular consequence: missense variant.
Genome position (GRCh38, 1-based): chr9:98,708,580, C>T on the plus strand (G>A on the coding strand, the complement: GABBR2 is on the minus strand). VCF-style: chr9-98708580-C-T. GRCh37 (hg19) VCF-style: chr9-101470862-C-T.
Other names: short protein forms S53N.
Identifiers: ClinVar variation 949512 (VCV000949512.8), dbSNP rs1830933565, ClinGen allele CA374212732.

ClinVar aggregate classification (germline): Uncertain significance. Review status: criteria provided, multiple submitters, no conflicts (2 of 4 stars). 2 submissions from 2 submitters: Uncertain significance (2). Last evaluated 2023-09-28.

Conditions:
Epileptic encephalopathy. Identifiers: MedGen C0543888, HP:0200134.

Allele frequency attached by ClinVar (database versions not stated): gnomAD exomes below 0.00001; gnomAD 0.00001.
gnomAD v4.1: 2 of 1,503,516 alleles (0.00013%); highest among the groups gnomAD compares: African/African-American, 0.0028%; no homozygotes.

Submissions (2):

GeneDx
Classification: Uncertain significance. Last evaluated: 2023-09-28. Review status: criteria provided, single submitter. Criteria: GeneDx Variant Classification Process June 2021. Collection method: clinical testing. Allele origin: germline. Affected: yes.
Comment: Not observed at significant frequency in large population cohorts (gnomAD); In silico analysis supports that this missense variant does not alter protein structure/function; Has not been previously published as pathogenic or benign to our knowledge

Labcorp Genetics (formerly Invitae), Labcorp
Classification: Uncertain significance for Epileptic encephalopathy. Last evaluated: 2023-04-26. Review status: criteria provided, single submitter. Criteria: Invitae Variant Classification Sherloc (09022015). Collection method: clinical testing. Allele origin: germline.
Comment: This variant has not been reported in the literature in individuals affected with GABBR2-related conditions. This sequence change replaces serine, which is neutral and polar, with asparagine, which is neutral and polar, at codon 53 of the GABBR2 protein (p.Ser53Asn). This variant is not present in population databases (gnomAD no frequency). ClinVar contains an entry for this variant (Variation ID: 949512). Advanced modeling of protein sequence and biophysical properties (such as structural, functional, and spatial information, amino acid conservation, physicochemical variation, residue mobility, and thermodynamic stability) performed at Invitae indicates that this missense variant is not expected to disrupt GABBR2 protein function. In summary, the available evidence is currently insufficient to determine the role of this variant in disease. Therefore, it has been classified as a Variant of Uncertain Significance.